The following is an entry in ClinVar:

NM_005336.6(HDLBP):c.2553C>T (p.Gly851=)

Genes: ANO7 (anoctamin 7; plus strand), HDLBP (high density lipoprotein binding protein; minus strand). Cytogenetic location: 2q37.3.
Variant type: single nucleotide variant.
Coding change: c.2553C>T on transcript NM_005336.6 (MANE Select); coding-DNA position 2553, C replaced by T.
Protein change: p.Gly851=; no amino-acid change (glycine 851 retained).
Molecular consequence: synonymous variant.
Genome position (GRCh38, 1-based): chr2:241,239,659, G>A on the plus strand (C>T on the coding strand, the complement: HDLBP is on the minus strand). VCF-style: chr2-241239659-G-A. GRCh37 (hg19) VCF-style: chr2-242179074-G-A.
Other names: c.2454C>T, p.Gly818= (NM_001243900.3); c.2553C>T, p.Gly851= (NM_001320965.3, NM_001320966.3, NM_001320967.3 and 1 more transcripts).
Identifiers: ClinVar variation 3043399 (VCV003043399.2), dbSNP rs764910030, ClinGen allele CA2216326.

ClinVar aggregate classification (germline): Likely benign (0 of 4 stars; one submission).

Conditions:
HDLBP-related disorder. Also called: HDLBP-related condition.

Allele frequency attached by ClinVar (database versions not stated): ExAC 0.00002; TOPMed 0.00003; gnomAD 0.00004.
gnomAD v4.1: 27 of 1,614,174 alleles (0.0017%); highest among the groups gnomAD compares: East Asian, 0.013%; no homozygotes.

Submission:

PreventionGenetics, part of Exact Sciences
Classification: Likely benign for HDLBP-related condition. Last evaluated: 2019-06-19. Review status: no assertion criteria provided. Collection method: clinical testing. Allele origin: germline.
Comment: This variant is classified as likely benign based on ACMG/AMP sequence variant interpretation guidelines (Richards et al. 2015 PMID: 25741868, with internal and published modifications).